The following is an entry in ClinVar:

ClinVar aggregate classification (germline): Likely benign (1 of 4 stars; one submission).

Conditions:
CREBBP-related disorder. Also called: CREBBP-related disorders; CREBBP-related condition.

Submission:

PreventionGenetics, part of Exact Sciences
Classification: Likely benign for CREBBP-related condition. Last evaluated: 2025-08-05. Review status: criteria provided, single submitter. Criteria: ACMG Guidelines, 2015. Collection method: clinical testing. Allele origin: germline.
Comment: This variant is classified as likely benign based on ACMG/AMP sequence variant interpretation guidelines (Richards et al. 2015 PMID: 25741868, with internal and published modifications).

NM_004380.3(CREBBP):c.2283+8T>A

Gene: CREBBP (CREB binding lysine acetyltransferase; minus strand). Cytogenetic location: 16p13.3.
Variant type: single nucleotide variant.
Coding change: c.2283+8T>A on transcript NM_004380.3 (MANE Select); 8 bases into the intron after coding-DNA position 2283, T replaced by A.
Molecular consequence: intron variant.
Genome position (GRCh38, 1-based): chr16:3,774,561, A>T on the plus strand (T>A on the coding strand, the complement: CREBBP is on the minus strand). VCF-style: chr16-3774561-A-T. GRCh37 (hg19) VCF-style: chr16-3824562-A-T.
Other names: c.2169+8T>A (NM_001079846.1).
Identifiers: ClinVar variation 5000281 (VCV005000281.1).